The following is an entry in ClinVar:

NM_006269.2(RP1):c.1457G>A (p.Ser486Asn)

Gene: RP1 (RP1 axonemal microtubule associated; plus strand). Cytogenetic location: 8q12.1.
Variant type: single nucleotide variant.
Coding change: c.1457G>A on transcript NM_006269.2 (MANE Select); coding-DNA position 1457, G replaced by A.
Protein change: p.Ser486Asn; replaces serine 486 with asparagine.
Molecular consequence: missense variant. On other transcripts: intron variant (1).
Genome position (GRCh38, 1-based): chr8:54,625,339, G>A. VCF-style: chr8-54625339-G-A. GRCh37 (hg19) VCF-style: chr8-55537899-G-A.
Other names: c.787+3051G>A (NM_001375654.1); short protein forms S486N.
Identifiers: ClinVar variation 1717350 (VCV001717350.5), dbSNP rs2536569717, ClinGen allele CA370990419.

ClinVar aggregate classification (germline): Uncertain significance (1 of 4 stars; one submission).

Submission:

Labcorp Genetics (formerly Invitae), Labcorp
Classification: Uncertain significance. Last evaluated: 2022-08-21. Review status: criteria provided, single submitter. Criteria: Invitae Variant Classification Sherloc (09022015). Collection method: clinical testing. Allele origin: germline.
Comment: In summary, the available evidence is currently insufficient to determine the role of this variant in disease. Therefore, it has been classified as a Variant of Uncertain Significance. Algorithms developed to predict the effect of missense changes on protein structure and function output the following: SIFT: "Tolerated"; PolyPhen-2: "Benign"; Align-GVGD: "Class C0". The asparagine amino acid residue is found in multiple mammalian species, which suggests that this missense change does not adversely affect protein function. This variant has not been reported in the literature in individuals affected with RP1-related conditions. This variant is not present in population databases (gnomAD no frequency). This sequence change replaces serine, which is neutral and polar, with asparagine, which is neutral and polar, at codon 486 of the RP1 protein (p.Ser486Asn).